The following is an entry in ClinVar:

NM_000891.3(KCNJ2):c.131G>A (p.Arg44Lys)

Gene: KCNJ2 (potassium inwardly rectifying channel subfamily J member 2; plus strand). Cytogenetic location: 17q24.3.
Variant type: single nucleotide variant.
Coding change: c.131G>A on transcript NM_000891.3 (MANE Select); coding-DNA position 131, G replaced by A.
Protein change: p.Arg44Lys; replaces arginine 44 with lysine.
Molecular consequence: missense variant.
Genome position (GRCh38, 1-based): chr17:70,175,170, G>A. VCF-style: chr17-70175170-G-A. GRCh37 (hg19) VCF-style: chr17-68171311-G-A.
Other names: short protein forms R44K.
Identifiers: ClinVar variation 1403486 (VCV001403486.8), dbSNP rs2144376473, ClinGen allele CA400859928.

ClinVar aggregate classification (germline): Uncertain significance (1 of 4 stars; one submission).

Conditions:
Andersen Tawil syndrome (LQT7). Also called: ANDERSEN CARDIODYSRHYTHMIC PERIODIC PARALYSIS; Potassium-sensitive periodic paralysis, ventricular ectopy, and dysmorphic features; PERIODIC PARALYSIS, POTASSIUM-SENSITIVE CARDIODYSRHYTHMIC TYPE; LONG QT SYNDROME 7; Andersen Syndrome. Identifiers: Orphanet 37553, MedGen C1563715, MONDO:0008222, OMIM 170390.
Short QT syndrome type 3. Identifiers: Orphanet 51083, MedGen C1865018, MONDO:0012314, OMIM 609622.

Submission:

Labcorp Genetics (formerly Invitae), Labcorp
Classification: Uncertain significance for Short QT syndrome type 3; Andersen Tawil syndrome. Last evaluated: 2021-01-14. Review status: criteria provided, single submitter. Criteria: Invitae Variant Classification Sherloc (09022015). Collection method: clinical testing. Allele origin: germline.
Comment: This sequence change replaces arginine with lysine at codon 44 of the KCNJ2 protein (p.Arg44Lys). The arginine residue is highly conserved and there is a small physicochemical difference between arginine and lysine. This variant is not present in population databases (ExAC no frequency). In summary, the available evidence is currently insufficient to determine the role of this variant in disease. Therefore, it has been classified as a Variant of Uncertain Significance. Algorithms developed to predict the effect of missense changes on protein structure and function (SIFT, PolyPhen-2, Align-GVGD) all suggest that this variant is likely to be tolerated, but these predictions have not been confirmed by published functional studies and their clinical significance is uncertain. This variant has not been reported in the literature in individuals with KCNJ2-related conditions.